The following is an entry in ClinVar:

ClinVar aggregate classification (germline): Uncertain significance. Review status: criteria provided, multiple submitters, no conflicts (2 of 4 stars). 4 submissions from 4 submitters: Uncertain significance (4). Last evaluated 2026-01-16.

Conditions:
Hereditary cancer-predisposing syndrome. Also called: Tumor predisposition; Neoplastic Syndromes, Hereditary; Hereditary Cancer Syndrome; Hereditary neoplastic syndrome. Identifiers: Orphanet 140162, MedGen C0027672, MeSH D009386, MONDO:0015356.
Parathyroid carcinoma (PRTC). Also called: CDC73-Related Parathyroid Carcinoma; Parathyroid gland carcinoma. Identifiers: Orphanet 143, MedGen C0687150, MONDO:0012004, OMIM 608266, HP:0006780.
Hyperparathyroidism 2 with jaw tumors. Also called: Hyperparathyroidism-Jaw Tumor Syndrome; Hyperparathyroidism 2; HYPERPARATHYROIDISM, FAMILIAL PRIMARY, WITH MULTIPLE OSSIFYING JAW FIBROMAS; HYPERPARATHYROIDISM-JAW TUMOR SYNDROME, HEREDITARY. Identifiers: Orphanet 99880, MedGen C1704981, MONDO:0007768, OMIM 145001.
Hyperparathyroidism 1 (HRPT1). Also called: HYPERPARATHYROIDISM, FAMILIAL ISOLATED PRIMARY. Identifiers: Orphanet 99879, MedGen C1840402, MONDO:0007767, OMIM 145000.

gnomAD v4.1: 2 of 1,613,638 alleles (0.00012%); no homozygotes.

Submissions (4):

Labcorp Genetics (formerly Invitae), Labcorp
Classification: Uncertain significance for Parathyroid carcinoma. Last evaluated: 2026-01-16. Review status: criteria provided, single submitter. Criteria: Invitae Variant Classification Sherloc (09022015). Collection method: clinical testing. Allele origin: germline.
Comment: This sequence change replaces valine, which is neutral and non-polar, with isoleucine, which is neutral and non-polar, at codon 340 of the CDC73 protein (p.Val340Ile). This variant is not present in population databases (gnomAD no frequency). This variant has not been reported in the literature in individuals affected with CDC73-related conditions. ClinVar contains an entry for this variant (Variation ID: 403896). Invitae Evidence Modeling of protein sequence and biophysical properties (such as structural, functional, and spatial information, amino acid conservation, physicochemical variation, residue mobility, and thermodynamic stability) indicates that this missense variant is not expected to disrupt CDC73 protein function with a negative predictive value of 80%. In summary, the available evidence is currently insufficient to determine the role of this variant in disease. Therefore, it has been classified as a Variant of Uncertain Significance.

Ambry Genetics
Classification: Uncertain significance for Hereditary cancer-predisposing syndrome. Last evaluated: 2025-01-10. Review status: criteria provided, single submitter. Criteria: Ambry Variant Classification Scheme 2023. Collection method: clinical testing. Allele origin: germline.
Comment: The p.V340I variant (also known as c.1018G>A), located in coding exon 11 of the CDC73 gene, results from a G to A substitution at nucleotide position 1018. The valine at codon 340 is replaced by isoleucine, an amino acid with highly similar properties. This amino acid position is conserved. In addition, the in silico prediction for this alteration is inconclusive. Since supporting evidence is limited at this time, the clinical significance of this alteration remains unclear.

Baylor Genetics
Classification: Uncertain significance for Hyperparathyroidism 1. Last evaluated: 2023-06-09. Review status: criteria provided, single submitter. Criteria: ACMG Guidelines, 2015. Collection method: clinical testing. Allele origin: unknown.

Fulgent Genetics
Classification: Uncertain significance for Hyperparathyroidism 1; Hyperparathyroidism 2 with jaw tumors; Parathyroid carcinoma. Last evaluated: 2021-08-02. Review status: criteria provided, single submitter. Criteria: ACMG Guidelines, 2015. Collection method: clinical testing. Allele origin: unknown.

NM_024529.5(CDC73):c.1018G>A (p.Val340Ile)

Gene: CDC73 (cell division cycle 73; plus strand). Cytogenetic location: 1q31.2.
Variant type: single nucleotide variant.
Coding change: c.1018G>A on transcript NM_024529.5 (MANE Select); coding-DNA position 1018, G replaced by A.
Protein change: p.Val340Ile; replaces valine 340 with isoleucine.
Molecular consequence: missense variant.
Genome position (GRCh38, 1-based): chr1:193,203,840, G>A. VCF-style: chr1-193203840-G-A. GRCh37 (hg19) VCF-style: chr1-193172970-G-A.
Other names: short protein forms V340I.
Identifiers: ClinVar variation 403896 (VCV000403896.14), dbSNP rs1060500021, ClinGen allele CA16609973.